The following is an entry in ClinVar:

NM_001204375.2(NPR3):c.1588C>T (p.Arg530Trp)

Gene: NPR3 (natriuretic peptide receptor 3; plus strand). Cytogenetic location: 5p13.3.
Variant type: single nucleotide variant.
Coding change: c.1588C>T on transcript NM_001204375.2 (MANE Select); coding-DNA position 1588, C replaced by T.
Protein change: p.Arg530Trp; replaces arginine 530 with tryptophan.
Molecular consequence: missense variant.
Genome position (GRCh38, 1-based): chr5:32,786,307, C>T. VCF-style: chr5-32786307-C-T. GRCh37 (hg19) VCF-style: chr5-32786413-C-T.
Other names: c.1585C>T, p.Arg529Trp (NM_000908.4); c.937C>T, p.Arg313Trp (NM_001204376.2); c.940C>T, p.Arg314Trp (NM_001363652.2); c.868C>T, p.Arg290Trp (NM_001364458.2); c.817C>T, p.Arg273Trp (NM_001364460.2); c.1588C>T (NM_001204375.1); short protein forms R273W, R290W, R313W, R314W, R529W, R530W.
Identifiers: ClinVar variation 1597593 (VCV001597593.11), dbSNP rs142228984, ClinGen allele CA3222721.

ClinVar aggregate classification (germline): Conflicting classifications of pathogenicity. Review status: criteria provided, conflicting classifications (1 of 4 stars). 3 submissions from 3 submitters: Uncertain significance (1); Likely benign (1). 1 of the submissions does not count toward it. Last evaluated 2025-12-27.

Conditions:
NPR3-related disorder. Also called: NPR3-related condition.
Inborn genetic diseases. Identifiers: MedGen C0950123, MeSH D030342.

Allele frequency attached by ClinVar (database versions not stated): TOPMed 0.00062; gnomAD 0.00086 and 0.00091; gnomAD exomes 0.00094 and 0.00124; ExAC 0.00113; 1000 Genomes Project 0.00040; 1000 Genomes Project 30x 0.00047; ESP Exome Variant Server 0.00059.
gnomAD v4.1: 1,912 of 1,584,250 alleles (0.12%); highest among the groups gnomAD compares: South Asian, 0.14%; 1 homozygote.

Submissions (3):

Labcorp Genetics (formerly Invitae), Labcorp
Classification: Likely benign. Last evaluated: 2025-12-27. Review status: criteria provided, single submitter. Criteria: Invitae Variant Classification Sherloc (09022015). Collection method: clinical testing. Allele origin: germline.

Ambry Genetics
Classification: Uncertain significance for Inborn genetic diseases. Last evaluated: 2021-11-09. Review status: criteria provided, single submitter. Criteria: Ambry Variant Classification Scheme 2023. Collection method: clinical testing. Allele origin: germline.

PreventionGenetics, part of Exact Sciences
Classification: Likely benign for NPR3-related condition. Last evaluated: 2022-04-06. Review status: no assertion criteria provided. Collection method: clinical testing. Allele origin: germline. Not counted in ClinVar's aggregate classification.
Comment: This variant is classified as likely benign based on ACMG/AMP sequence variant interpretation guidelines (Richards et al. 2015 PMID: 25741868, with internal and published modifications).